The following is an entry in ClinVar:

ClinVar aggregate classification (germline): Pathogenic. Review status: reviewed by expert panel (3 of 4 stars). 4 submissions from 4 submitters: Pathogenic (1). 3 of the submissions do not count toward it. Last evaluated 2017-12-15.

Conditions:
Hereditary cancer-predisposing syndrome. Also called: Hereditary Cancer Syndrome; Neoplastic Syndromes, Hereditary; Tumor predisposition; Hereditary neoplastic syndrome. Identifiers: Orphanet 140162, MedGen C0027672, MeSH D009386, MONDO:0015356.
Breast-ovarian cancer, familial, susceptibility to, 2 (BROVCA2). Also called: BRCA2 Hereditary Breast and Ovarian Cancer. Identifiers: Orphanet 145, MedGen C2675520, MONDO:0012933, OMIM 612555. Disease mechanism: loss of function.
Hereditary breast ovarian cancer syndrome. Also called: Hereditary breast and/or ovarian cancer syndrome; BRCA1- and BRCA2-Associated Hereditary Breast and Ovarian Cancer; Hereditary breast and ovarian cancer syndrome (HBOC); Hereditary breast and ovarian cancer; Hereditary breast and ovarian cancer syndrome; Breast and ovarian cancer. Identifiers: Orphanet 145, MedGen C0677776, MeSH D061325, MONDO:0003582. Disease mechanism: loss of function.

Submissions (4):

Evidence-based Network for the Interpretation of Germline Mutant Alleles (ENIGMA)
Classification: Pathogenic for Breast-ovarian cancer, familial, susceptibility to, 2. Last evaluated: 2017-12-15. Review status: reviewed by expert panel. Criteria: ENIGMA BRCA1/2 Classification Criteria (2017-06-29). Collection method: curation. Allele origin: germline. Study: ENIGMA.
Comment: Variant allele predicted to encode a truncated non-functional protein.

Labcorp Genetics (formerly Invitae), Labcorp
Classification: Pathogenic for Hereditary breast ovarian cancer syndrome. Last evaluated: 2024-04-15. Review status: criteria provided, single submitter. Criteria: Invitae Variant Classification Sherloc (09022015). Collection method: clinical testing. Allele origin: germline. Not counted in ClinVar's aggregate classification.
Comment: This sequence change creates a premature translational stop signal (p.Asn1023Lysfs*20) in the BRCA2 gene. It is expected to result in an absent or disrupted protein product. Loss-of-function variants in BRCA2 are known to be pathogenic (PMID: 20104584). This variant is not present in population databases (gnomAD no frequency). This variant has not been reported in the literature in individuals affected with BRCA2-related conditions. ClinVar contains an entry for this variant (Variation ID: 230420). For these reasons, this variant has been classified as Pathogenic.

Women's Health and Genetics/Laboratory Corporation of America, LabCorp
Classification: Likely pathogenic for Hereditary breast ovarian cancer syndrome. Last evaluated: 2022-10-21. Review status: criteria provided, single submitter. Criteria: LabCorp Variant Classification Summary - May 2015. Collection method: clinical testing. Allele origin: germline. Not counted in ClinVar's aggregate classification.
Comment: Variant summary: BRCA2 c.3069delC (p.Asn1023LysfsX20) results in a premature termination codon, predicted to cause a truncation of the encoded protein or absence of the protein due to nonsense mediated decay, which are commonly known mechanisms for disease. Truncations downstream of this position have been classified as pathogenic by our laboratory. The variant was absent in 250220 control chromosomes (gnomAD). To our knowledge, no occurrence of c.3069delC in individuals affected with Hereditary Breast And Ovarian Cancer Syndrome and no experimental evidence demonstrating its impact on protein function have been reported. Three ClinVar submitters including an expert panel (ENIGMA) (evaluation after 2014) cite the variant as pathogenic. Based on the evidence outlined above, the variant was classified as likely pathogenic.

Ambry Genetics
Classification: Pathogenic for Hereditary cancer-predisposing syndrome. Last evaluated: 2015-02-16. Review status: criteria provided, single submitter. Criteria: Ambry Variant Classification Scheme 2023. Collection method: clinical testing. Allele origin: germline. Not counted in ClinVar's aggregate classification.
Comment: The c.3069delC pathogenic mutation (also known as 3297delC), located in coding exon 10 of the BRCA2 gene, results from a deletion of one nucleotide at position 3069, causing a translational frameshift with a predicted alternate stop codon. Since frameshifts are typically deleterious in nature, this alteration is interpreted as a disease-causing mutation (ACMG Recommendations for Standards for Interpretation and Reporting of Sequence Variations. Revision 2007. Genet Med. 2008;10:294).

Literature cited by the submitters: PubMed 20104584 (cited by Labcorp Genetics (formerly Invitae), Labcorp).

NM_000059.4(BRCA2):c.3069del (p.Asn1023fs)

Gene: BRCA2 (BRCA2 DNA repair associated; plus strand). Cytogenetic location: 13q13.1.
Variant type: Deletion.
Coding change: c.3069del on transcript NM_000059.4 (MANE Select); coding-DNA position 3069, one base deleted (C; older notation c.3069delC).
Protein change: p.Asn1023fs; shifts the reading frame from asparagine 1023.
Molecular consequence: frameshift variant.
Genome position (GRCh38, 1-based): chr13:32,337,424, C deleted. VCF-style (leftmost placement, unchanged base first): chr13-32337423-AC-A. GRCh37 (hg19) VCF-style: chr13-32911560-AC-A.
Other names: c.3069delC (NM_000059.3); short protein forms N1023fs.
Identifiers: ClinVar variation 230420 (VCV000230420.14), dbSNP rs876658555, ClinGen allele CA10579562.